The following is an entry in ClinVar:

NM_001844.5(COL2A1):c.2719C>G (p.Pro907Ala)

Gene: COL2A1 (collagen type II alpha 1 chain; minus strand). Cytogenetic location: 12q13.11.
Variant type: single nucleotide variant.
Coding change: c.2719C>G on transcript NM_001844.5 (MANE Select); coding-DNA position 2719, C replaced by G.
Protein change: p.Pro907Ala; replaces proline 907 with alanine.
Molecular consequence: missense variant.
Genome position (GRCh38, 1-based): chr12:47,979,525, G>C on the plus strand (C>G on the coding strand, the complement: COL2A1 is on the minus strand). VCF-style: chr12-47979525-G-C. GRCh37 (hg19) VCF-style: chr12-48373308-G-C.
Other names: c.2512C>G, p.Pro838Ala (NM_033150.3); short protein forms P838A, P907A.
Identifiers: ClinVar variation 4278909 (VCV004278909.1).

ClinVar aggregate classification (germline): Uncertain significance (1 of 4 stars; one submission).

Submission:

GeneDx
Classification: Uncertain significance. Last evaluated: 2025-04-01. Review status: criteria provided, single submitter. Criteria: GeneDx Variant Classification Process June 2021. Collection method: clinical testing. Allele origin: germline. Affected: yes.
Comment: Not observed at significant frequency in large population cohorts (gnomAD); In silico analysis supports that this missense variant has a deleterious effect on protein structure/function; Has not been previously published as pathogenic or benign to our knowledge; Occurs in the triple helical domain at the X position in the canonical Gly-X-Y repeat; although this variant may have an effect on normal protein folding and function, missense substitution at the X position is not a common mechanism of disease (HGMD); Also known as p.(P707A)